The following is an entry in ClinVar:

NM_004525.3(LRP2):c.10028G>A (p.Arg3343His)

Gene: LRP2 (LDL receptor related protein 2; minus strand). Cytogenetic location: 2q31.1.
Variant type: single nucleotide variant.
Coding change: c.10028G>A on transcript NM_004525.3 (MANE Select); coding-DNA position 10028, G replaced by A.
Protein change: p.Arg3343His; replaces arginine 3343 with histidine.
Molecular consequence: missense variant.
Genome position (GRCh38, 1-based): chr2:169,181,589, C>T on the plus strand (G>A on the coding strand, the complement: LRP2 is on the minus strand). VCF-style: chr2-169181589-C-T. GRCh37 (hg19) VCF-style: chr2-170038099-C-T.
Other names: short protein forms R3343H.
Identifiers: ClinVar variation 1695809 (VCV001695809.6), dbSNP rs765304399, ClinGen allele CA1953439.

ClinVar aggregate classification (germline): Uncertain significance. Review status: criteria provided, multiple submitters, no conflicts (2 of 4 stars). 4 submissions from 4 submitters: Uncertain significance (4). Last evaluated 2025-08-10.

Conditions:
Inborn genetic diseases. Identifiers: MedGen C0950123, MeSH D030342.

Allele frequency attached by ClinVar (database versions not stated): ExAC 0.00003; gnomAD 0.00003 and 0.00004; TOPMed 0.00003; gnomAD exomes 0.00004.
gnomAD v4.1: 66 of 1,613,934 alleles (0.0041%); highest among the groups gnomAD compares: Admixed American, 0.0083%; no homozygotes.

Submissions (4):

Ambry Genetics
Classification: Uncertain significance for Inborn genetic diseases. Last evaluated: 2025-08-10. Review status: criteria provided, single submitter. Criteria: Ambry Variant Classification Scheme 2023. Collection method: clinical testing. Allele origin: germline.

Blueprint Genetics
Classification: Uncertain significance. Last evaluated: 2022-12-07. Review status: criteria provided, single submitter. Criteria: ACMG Guidelines, 2015. Collection method: clinical testing. Allele origin: germline.

Labcorp Genetics (formerly Invitae), Labcorp
Classification: Uncertain significance. Last evaluated: 2022-08-10. Review status: criteria provided, single submitter. Criteria: Invitae Variant Classification Sherloc (09022015). Collection method: clinical testing. Allele origin: germline.
Comment: This sequence change replaces arginine, which is basic and polar, with histidine, which is basic and polar, at codon 3343 of the LRP2 protein (p.Arg3343His). This variant is present in population databases (rs765304399, gnomAD 0.006%). This variant has not been reported in the literature in individuals affected with LRP2-related conditions. ClinVar contains an entry for this variant (Variation ID: 1695809). Advanced modeling of protein sequence and biophysical properties (such as structural, functional, and spatial information, amino acid conservation, physicochemical variation, residue mobility, and thermodynamic stability) performed at Invitae indicates that this missense variant is not expected to disrupt LRP2 protein function. In summary, the available evidence is currently insufficient to determine the role of this variant in disease. Therefore, it has been classified as a Variant of Uncertain Significance.

GeneDx
Classification: Uncertain significance. Last evaluated: 2022-01-11. Review status: criteria provided, single submitter. Criteria: GeneDx Variant Classification Process June 2021. Collection method: clinical testing. Allele origin: germline. Affected: yes.
Comment: In silico analysis supports that this missense variant does not alter protein structure/function; Has not been previously published as pathogenic or benign to our knowledge